The following is an entry in ClinVar:

NM_021098.3(CACNA1H):c.6898_6905del (p.Ile2300fs)

Gene: CACNA1H (calcium voltage-gated channel subunit alpha1 H; plus strand). Cytogenetic location: 16p13.3.
Variant type: Deletion.
Coding change: c.6898_6905del on transcript NM_021098.3 (MANE Select); coding-DNA positions 6898 to 6905, 8 bases deleted (ATAGTGCC; older notation c.6898_6905delATAGTGCC).
Protein change: p.Ile2300fs; shifts the reading frame from isoleucine 2300.
Molecular consequence: frameshift variant.
Genome position (GRCh38, 1-based): chr16:1,220,830-1,220,837, ATAGTGCC deleted; deleting any 8 consecutive bases within chr16:1,220,827-1,220,837 gives the same sequence; the c. name uses the placement nearest the transcript's 3' end. VCF-style (leftmost placement, unchanged base first): chr16-1220826-GGCCATAGT-G. GRCh37 (hg19) VCF-style: chr16-1270826-GGCCATAGT-G.
Other names: c.6880_6887del, p.Ile2294fs (NM_001005407.2); c.6898_6905del (NM_021098.2); short protein forms I2294fs, I2300fs.
Identifiers: ClinVar variation 2923952 (VCV002923952.5), dbSNP rs2548740520, ClinGen allele CA2630933876.

ClinVar aggregate classification (germline): Uncertain significance. Review status: criteria provided, multiple submitters, no conflicts (2 of 4 stars). 2 submissions from 2 submitters: Uncertain significance (2). Last evaluated 2026-09-01.

Conditions:
Idiopathic generalized epilepsy. Also called: EIG; Generalised epilepsy. Identifiers: MedGen C0270850, MONDO:0005579, OMIM 600669.
Hyperaldosteronism, familial, type IV (HALD4). Also called: FH IV; ALDOSTERONISM, PRIMARY, AND HYPERTENSION. Identifiers: Orphanet 642671, MedGen C4310756, MONDO:0014875, OMIM 617027.

Submissions (2):

GeneDx
Classification: Uncertain significance. Last evaluated: 2026-09-01. Review status: criteria provided, single submitter. Criteria: GeneDx Variant Classification Process June 2021. Collection method: clinical testing. Allele origin: germline.
Comment: Not observed at significant frequency in large population cohorts (gnomAD); Has not been previously published as pathogenic or benign to our knowledge; Frameshift variant predicted to result in abnormal protein length as the last 54 amino acid(s) are replaced with 13 different amino acid(s)

Labcorp Genetics (formerly Invitae), Labcorp
Classification: Uncertain significance for Idiopathic generalized epilepsy; Hyperaldosteronism, familial, type IV. Last evaluated: 2025-10-13. Review status: criteria provided, single submitter. Criteria: Invitae Variant Classification Sherloc (09022015). Collection method: clinical testing. Allele origin: germline.
Comment: This sequence change creates a premature translational stop signal (p.Ile2300Profs*14) in the CACNA1H gene. While this is not anticipated to result in nonsense mediated decay, it is expected to disrupt the last 54 amino acid(s) of the CACNA1H protein. This variant is not present in population databases (gnomAD no frequency). This variant has not been reported in the literature in individuals affected with CACNA1H-related conditions. ClinVar contains an entry for this variant (Variation ID: 2923952). Experimental studies and prediction algorithms are not available or were not evaluated, and the functional significance of this variant is currently unknown. In summary, the available evidence is currently insufficient to determine the role of this variant in disease. Therefore, it has been classified as a Variant of Uncertain Significance.